The following is an entry in ClinVar:

NM_001379110.1(SLC9A6):c.-57+43G>C

Genes: SLC9A6 (solute carrier family 9 member A6; plus strand), LOC130068746 (ATAC-STARR-seq lymphoblastoid silent region 21025; plus strand). Cytogenetic location: Xq26.3.
Variant type: single nucleotide variant.
Coding change: c.-57+43G>C on transcript NM_001379110.1 (MANE Select); 43 bases into the intron after 57 bases upstream of the start codon, G replaced by C.
Molecular consequence: intron variant. On other transcripts: missense variant (2).
Genome position (GRCh38, 1-based): chrX:135,985,520, G>C. VCF-style: chrX-135985520-G-C. GRCh37 (hg19) VCF-style: chrX-135067679-G-C.
Other names: c.18G>C, p.Trp6Cys (NM_001042537.2, NM_006359.3); c.-57+43G>C (NM_001177651.2); c.-57+48G>C (NM_001330652.2); short protein forms W6C.
Identifiers: ClinVar variation 450956 (VCV000450956.8), dbSNP rs1012532789, ClinGen allele CA336084217.

ClinVar aggregate classification (germline): Uncertain significance. Review status: criteria provided, multiple submitters, no conflicts (2 of 4 stars). 2 submissions from 2 submitters: Uncertain significance (2). Last evaluated 2024-11-19.

Conditions:
Christianson syndrome (MRXSCH). Also called: INTELLECTUAL DEVELOPMENTAL DISORDER, X-LINKED, SYNDROMIC, CHRISTIANSON TYPE; SLC9A6-Related Syndromic Mental Retardation; X-linked mental retardation, syndromic, Christianson type. Identifiers: Orphanet 85278, MedGen C2678194, MONDO:0010278, OMIM 300243.

Submissions (2):

Labcorp Genetics (formerly Invitae), Labcorp
Classification: Uncertain significance for Christianson syndrome. Last evaluated: 2024-11-19. Review status: criteria provided, single submitter. Criteria: Invitae Variant Classification Sherloc (09022015). Collection method: clinical testing. Allele origin: germline.
Comment: This sequence change replaces tryptophan, which is neutral and slightly polar, with cysteine, which is neutral and slightly polar, at codon 6 of the SLC9A6 protein (p.Trp6Cys). This variant is not present in population databases (gnomAD no frequency). This variant has not been reported in the literature in individuals affected with SLC9A6-related conditions. ClinVar contains an entry for this variant (Variation ID: 450956). Experimental studies and prediction algorithms are not available or were not evaluated, and the functional significance of this variant is currently unknown. In summary, the available evidence is currently insufficient to determine the role of this variant in disease. Therefore, it has been classified as a Variant of Uncertain Significance.

GeneDx
Classification: Uncertain significance. Last evaluated: 2021-01-12. Review status: criteria provided, single submitter. Criteria: GeneDx Variant Classification Process June 2021. Collection method: clinical testing. Allele origin: germline. Affected: yes.
Comment: In silico analysis supports that this missense variant does not alter protein structure/function; Has not been previously published as pathogenic or benign to our knowledge